The following is an entry in ClinVar:

ClinVar aggregate classification (germline): Pathogenic (1 of 4 stars; one submission).

Conditions:
Neurofibromatosis, type 1 (NF1). Also called: VON RECKLINGHAUSEN DISEASE; Peripheral type neurofibromatosis; Neurofibromatosis, type I; NEUROFIBROMATOSIS, TYPE I, SOMATIC. Identifiers: Orphanet 636, MedGen C0027831, MONDO:0018975, OMIM 162200. Disease mechanism: loss of function.

Submission:

Labcorp Genetics (formerly Invitae), Labcorp
Classification: Pathogenic for Neurofibromatosis, type 1. Last evaluated: 2021-09-07. Review status: criteria provided, single submitter. Criteria: Invitae Variant Classification Sherloc (09022015). Collection method: clinical testing. Allele origin: germline.
Comment: For these reasons, this variant has been classified as Pathogenic. Algorithms developed to predict the effect of sequence changes on RNA splicing suggest that this variant may create or strengthen a splice site. This variant has not been reported in the literature in individuals affected with NF1-related conditions. This variant is not present in population databases (ExAC no frequency). This sequence change creates a premature translational stop signal (p.Leu1789Serfs*3) in the NF1 gene. It is expected to result in an absent or disrupted protein product. Loss-of-function variants in NF1 are known to be pathogenic (PMID: 10712197, 23913538).

Literature cited by the submitters: PubMed 10712197; PubMed 23913538.

NM_001042492.3(NF1):c.5378_5426dup (p.Pro1809_Leu1810insSerArgTer)

Gene: NF1 (neurofibromin 1; plus strand). Cytogenetic location: 17q11.2.
Variant type: Duplication.
Coding change: c.5378_5426dup on transcript NM_001042492.3 (MANE Select); coding-DNA positions 5378 to 5426, 49 bases duplicated.
Protein change: p.Pro1809_Leu1810insSerArgTer.
Molecular consequence: nonsense, inframe insertion. On other transcripts: frameshift variant (1).
Genome position (GRCh38, 1-based): chr17:31,327,608-31,327,656, 49 bases duplicated; duplicating any 49 consecutive bases within chr17:31,327,605-31,327,656 gives the same sequence; the c. name uses the placement nearest the transcript's 3' end. GRCh37 (hg19): chr17:29,654,626-29,654,674.
Other names: c.5315_5363dup, p.Leu1789Serfs (NM_000267.4).
Identifiers: ClinVar variation 1351845 (VCV001351845.6), dbSNP rs2151541145, ClinGen allele CA2573153404.
Genomic context (GRCh38, chr17:31,327,604, plus strand): 5'-GTCCTAGGGCAATCAGTCTTTCTAAATGACATTTATTATGCTTCGGAAATTGAAGAAATC[T>TGCCTAGTAGATGAGAACCAGTTCACCTTAACCATTGCAAACCAGGGCAC]GCCTAGTAGATGAGAACCAGTTCACCTTAACCATTGCAAACCAGGGCACGCCGCTCACCT-3'